The following is an entry in ClinVar:

ClinVar aggregate classification (germline): Likely benign. Review status: criteria provided, single submitter (1 of 4 stars). 2 submissions from 2 submitters: Likely benign (1). 1 of the submissions does not count toward it. Last evaluated 2024-10-14.

Conditions:
PDE1C-related disorder. Also called: PDE1C-related condition.

Allele frequency attached by ClinVar (database versions not stated): TOPMed below 0.00001.
gnomAD v4.1: 7 of 1,614,096 alleles (0.00043%); highest among the groups gnomAD compares: Non-Finnish European, 0.000085%; no homozygotes.

Submissions (2):

Blueprint Genetics
Classification: Likely benign. Last evaluated: 2024-10-14. Review status: criteria provided, single submitter. Criteria: ACMG Guidelines, 2015. Collection method: clinical testing. Allele origin: germline.

PreventionGenetics, part of Exact Sciences
Classification: Likely benign for PDE1C-related condition. Last evaluated: 2019-12-23. Review status: no assertion criteria provided. Collection method: clinical testing. Allele origin: germline. Not counted in ClinVar's aggregate classification.
Comment: This variant is classified as likely benign based on ACMG/AMP sequence variant interpretation guidelines (Richards et al. 2015 PMID: 25741868, with internal and published modifications).

NM_001191057.4(PDE1C):c.375C>G (p.Pro125=)

Gene: PDE1C (phosphodiesterase 1C; minus strand). Cytogenetic location: 7p14.3.
Variant type: single nucleotide variant.
Coding change: c.375C>G on transcript NM_001191057.4 (MANE Select); coding-DNA position 375, C replaced by G.
Protein change: p.Pro125=; no amino-acid change (proline 125 retained).
Molecular consequence: synonymous variant.
Genome position (GRCh38, 1-based): chr7:31,879,046, G>C on the plus strand (C>G on the coding strand, the complement: PDE1C is on the minus strand). VCF-style: chr7-31879046-G-C. GRCh37 (hg19) VCF-style: chr7-31918659-G-C.
Other names: c.375C>G, p.Pro125= (NM_001191056.3, NM_001191059.4, NM_001322055.2 and 3 more transcripts); c.555C>G, p.Pro185= (NM_001191058.4, NM_001322058.2); c.780C>G, p.Pro260= (NM_001322059.2).
Identifiers: ClinVar variation 3049239 (VCV003049239.3), dbSNP rs374334951, ClinGen allele CA156638808.